The following is an entry in ClinVar:

NM_145207.3(AFG2A):c.128C>A (p.Ser43Tyr)

Gene: AFG2A (AFG2 AAA ATPase homolog A; plus strand). Cytogenetic location: 4q28.1.
Variant type: single nucleotide variant.
Coding change: c.128C>A on transcript NM_145207.3 (MANE Select); coding-DNA position 128, C replaced by A.
Protein change: p.Ser43Tyr; replaces serine 43 with tyrosine.
Molecular consequence: missense variant.
Genome position (GRCh38, 1-based): chr4:122,923,270, C>A. VCF-style: chr4-122923270-C-A. GRCh37 (hg19) VCF-style: chr4-123844425-C-A.
Other names: c.128C>A, p.Ser43Tyr (NM_001317799.2, NM_001345856.2); short protein forms S43Y.
Identifiers: ClinVar variation 1800579 (VCV001800579.2), dbSNP rs1728175526, ClinGen allele CA358097384.

ClinVar aggregate classification (germline): Uncertain significance (1 of 4 stars; one submission).

Submission:

GeneDx
Classification: Uncertain significance. Last evaluated: 2022-05-19. Review status: criteria provided, single submitter. Criteria: GeneDx Variant Classification Process June 2021. Collection method: clinical testing. Allele origin: germline. Affected: yes.
Comment: Not observed at significant frequency in large population cohorts (gnomAD); In silico analysis supports that this missense variant does not alter protein structure/function; Has not been previously published as pathogenic or benign to our knowledge